The following is an entry in ClinVar:

NM_001377.3(DYNC2H1):c.5558+1G>A

Gene: DYNC2H1 (dynein cytoplasmic 2 heavy chain 1; plus strand). Cytogenetic location: 11q22.3.
Variant type: single nucleotide variant.
Coding change: c.5558+1G>A on transcript NM_001377.3 (MANE Select); the canonical splice donor site of the intron after coding-DNA position 5558, G replaced by A.
Molecular consequence: splice donor variant.
Genome position (GRCh38, 1-based): chr11:103,173,306, G>A. VCF-style: chr11-103173306-G-A. GRCh37 (hg19) VCF-style: chr11-103044035-G-A.
Other names: c.5558+1G>A (NM_001080463.2).
Identifiers: ClinVar variation 2855972 (VCV002855972.3), dbSNP rs1172074861, ClinGen allele CA382243306.
Genomic context (GRCh38, chr11:103,173,306, plus strand): 5'-AGGCTTTAAAGACGCTAAAGTATTGAGCAGAAAATTGGTAGCTATTTTCAATCTATCTAG[G>A]TGAGTTTTCTTGTTCTAAATATTTTTATATTTTACATTTCTAATGATTGATTTTGGTTAT-3'

ClinVar aggregate classification (germline): Likely pathogenic (1 of 4 stars; one submission).

Conditions:
Jeune thoracic dystrophy. Also called: Jeune syndrome; Infantile thoracic dystrophy; Thoracic pelvic phalangeal dystrophy; Jeune's syndrome; Chondroectodermal dysplasia-like syndrome; Short-rib thoracic dysplasia. Identifiers: Orphanet 474, MedGen C0265275, MONDO:0018770.

Allele frequency attached by ClinVar (database versions not stated): TOPMed below 0.00001.

Submission:

Labcorp Genetics (formerly Invitae), Labcorp
Classification: Likely pathogenic for Jeune thoracic dystrophy. Last evaluated: 2023-04-13. Review status: criteria provided, single submitter. Criteria: Invitae Variant Classification Sherloc (09022015). Collection method: clinical testing. Allele origin: germline.
Comment: This sequence change affects a donor splice site in intron 35 of the DYNC2H1 gene. It is expected to disrupt RNA splicing. Variants that disrupt the donor or acceptor splice site typically lead to a loss of protein function (PMID: 16199547), and loss-of-function variants in DYNC2H1 are known to be pathogenic (PMID: 23339108, 32753734). This variant is not present in population databases (gnomAD no frequency). This variant has not been reported in the literature in individuals affected with DYNC2H1-related conditions. Algorithms developed to predict the effect of sequence changes on RNA splicing suggest that this variant may disrupt the consensus splice site. In summary, the currently available evidence indicates that the variant is pathogenic, but additional data are needed to prove that conclusively. Therefore, this variant has been classified as Likely Pathogenic.

Literature cited by the submitters: PubMed 16199547; PubMed 23339108; PubMed 32753734.